The following is an entry in ClinVar:

ClinVar aggregate classification (germline): Likely benign (1 of 4 stars; one submission).

Allele frequency attached by ClinVar (database versions not stated): gnomAD exomes 0.00011.
gnomAD v4.1: 39 of 402,584 alleles (0.0097%); highest among the groups gnomAD compares: Non-Finnish European, 0.015%; 1 homozygote.

Submission:

CeGaT Center for Human Genetics Tuebingen
Classification: Likely benign. Last evaluated: 2025-01-01. Review status: criteria provided, single submitter. Criteria: CeGaT Center For Human Genetics Tuebingen Variant Classification Criteria Version 2. Collection method: clinical testing. Allele origin: germline. Affected: yes. Observed: 2 variant alleles.
Comment: KCNQ1OT1: BS2

NM_000218.3(KCNQ1):c.1514+616G>A

Genes: KCNQ1 (potassium voltage-gated channel subfamily Q member 1; plus strand), KCNQ1OT1 (KCNQ1 opposite strand/antisense transcript 1; minus strand). Cytogenetic location: 11p15.5.
Variant type: single nucleotide variant.
Coding change: c.1514+616G>A on transcript NM_000218.3 (MANE Select); 616 bases into the intron after coding-DNA position 1514, G replaced by A.
Molecular consequence: intron variant. On other transcripts: non-coding transcript variant (1).
Genome position (GRCh38, 1-based): chr11:2,662,697, G>A. VCF-style: chr11-2662697-G-A. GRCh37 (hg19) VCF-style: chr11-2683927-G-A.
Other names: c.1244+616G>A (NM_001406837.1); c.1418+616G>A (NM_001406836.1); c.974+616G>A (NM_001406838.1); c.1133+616G>A (NM_181798.2).
Identifiers: ClinVar variation 3239329 (VCV003239329.19), dbSNP rs916819411.